The following is an entry in ClinVar:

ClinVar aggregate classification (germline): Uncertain significance (1 of 4 stars; one submission).

Conditions:
Amyotrophic lateral sclerosis type 4 (ALS4). Also called: AMYOTROPHIC LATERAL SCLEROSIS 4, JUVENILE; NEURONOPATHY, DISTAL HEREDITARY MOTOR, WITH PYRAMIDAL FEATURES. Identifiers: Orphanet 357043, MedGen C1865409, MONDO:0011223, OMIM 602433.
Spinocerebellar ataxia, autosomal recessive, with axonal neuropathy 2 (SCAN2). Also called: ATAXIA-OCULOMOTOR APRAXIA 2; Ataxia with Oculomotor Apraxia Type 2; Ataxia-ocular apraxia-2; Ataxia with Oculomotor Apraxia. Identifiers: Orphanet 64753, MedGen C1853761, MONDO:0018996, OMIM 606002.

Submission:

Labcorp Genetics (formerly Invitae), Labcorp
Classification: Uncertain significance for Amyotrophic lateral sclerosis type 4; Spinocerebellar ataxia, autosomal recessive, with axonal neuropathy 2. Last evaluated: 2024-09-08. Review status: criteria provided, single submitter. Criteria: Invitae Variant Classification Sherloc (09022015). Collection method: clinical testing. Allele origin: germline.
Comment: This sequence change replaces cysteine, which is neutral and slightly polar, with tryptophan, which is neutral and slightly polar, at codon 1442 of the SETX protein (p.Cys1442Trp). This variant is not present in population databases (gnomAD no frequency). This variant has not been reported in the literature in individuals affected with SETX-related conditions. Invitae Evidence Modeling of protein sequence and biophysical properties (such as structural, functional, and spatial information, amino acid conservation, physicochemical variation, residue mobility, and thermodynamic stability) indicates that this missense variant is not expected to disrupt SETX protein function with a negative predictive value of 95%. In summary, the available evidence is currently insufficient to determine the role of this variant in disease. Therefore, it has been classified as a Variant of Uncertain Significance.

NM_015046.7(SETX):c.4326T>G (p.Cys1442Trp)

Gene: SETX (senataxin; minus strand). Cytogenetic location: 9q34.13.
Variant type: single nucleotide variant.
Coding change: c.4326T>G on transcript NM_015046.7 (MANE Select); coding-DNA position 4326, T replaced by G.
Protein change: p.Cys1442Trp; replaces cysteine 1442 with tryptophan.
Molecular consequence: missense variant.
Genome position (GRCh38, 1-based): chr9:132,327,272, A>C on the plus strand (T>G on the coding strand, the complement: SETX is on the minus strand). VCF-style: chr9-132327272-A-C. GRCh37 (hg19) VCF-style: chr9-135202659-A-C.
Other names: c.4326T>G, p.Cys1442Trp (NM_001351527.2, NM_001351528.2); short protein forms C1442W.
Identifiers: ClinVar variation 3753927 (VCV003753927.2).